The following is an entry in ClinVar:

NM_001195248.2(APTX):c.729del (p.Lys243fs)

Gene: APTX (aprataxin; minus strand). Cytogenetic location: 9p21.1.
Variant type: Deletion.
Coding change: c.729del on transcript NM_001195248.2 (MANE Select); coding-DNA position 729, one base deleted (A; older notation c.729delA).
Protein change: p.Lys243fs; shifts the reading frame from lysine 243.
Molecular consequence: frameshift variant. On other transcripts: non-coding transcript variant (9).
Genome position (GRCh38, 1-based): chr9:32,984,672, T deleted on the plus strand (A on the coding strand, the reverse complement: APTX is on the minus strand); the first of 3 consecutive T bases (chr9:32,984,672-32,984,674); deleting any one gives the same sequence. VCF-style (leftmost placement, unchanged base first): chr9-32984671-GT-G. GRCh37 (hg19) VCF-style: chr9-32984669-GT-G.
Other names: c.729del, p.Lys243fs (NM_001195249.2, NM_001195251.2, NM_001368995.1 and 6 more transcripts); c.567del, p.Lys189fs (NM_001195250.2, NM_001195254.2, NM_001369000.1 and 1 more transcripts); c.513del, p.Lys171fs (NM_001195252.2); c.465del, p.Lys155fs (NM_001369002.1, NM_001369003.1, NM_001369004.1 and 5 more transcripts); c.205delA, p.Lys69Asnfs (NM_175071.1); c.729delA (NM_175069.3); short protein forms K155fs, K171fs, K189fs, K243fs.
Identifiers: ClinVar variation 2501668 (VCV002501668.1), dbSNP rs2489448115, ClinGen allele CA2580616170.
Genomic context (GRCh38, chr9:32,984,671, plus strand): 5'-GCACTACCCACCTGGCTTACCTCATACTCGGAATGGCGTGGTAGCCCAATCGGAAGCGGA[GT>G]TTGCTGGACCCAGCAAAATCTACAATCACCTTTTCCCCCACAGTGTGCATATGCTTAAGG-3'

ClinVar aggregate classification (germline): Likely pathogenic (1 of 4 stars; one submission).

Conditions:
Ataxia, early-onset, with oculomotor apraxia and hypoalbuminemia (EAOH). Also called: ATAXIA-OCULOMOTOR APRAXIA SYNDROME; ATAXIA-TELANGIECTASIA-LIKE SYNDROME; Ataxia-oculomotor apraxia type 1. Identifiers: Orphanet 1168, MedGen C1859598, MONDO:0008842, OMIM 208920.

Submission:

Lifecell International Pvt. Ltd
Classification: Likely pathogenic for Ataxia, early-onset, with oculomotor apraxia and hypoalbuminemia. Review status: criteria provided, single submitter. Criteria: ACMG Guidelines, 2015. Collection method: clinical testing. Allele origin: germline. Inheritance: Autosomal recessive inheritance. Affected: yes. Observed: 1 homozygote.
Comment: A Homozygote Frameshift variant c.729delA in Exon 6 of the APTX gene that results in the amino acid substitution p.Lys243fs*14 was identified. The observed variant is novel in gnomAD exomes and genomes, respectively. The severity of the impact of this variant on the protein is high, based on the effect of the protein and REVEL score . Rare Exome Variant Ensemble Learner (REVEL) is an ensembl method for predicting the pathogenicity of missense variants based on a combination of scores from 13 individual tools: MutPred, FATHMM v2.3, VEST 3.0, PolyPhen-2, SIFT, PROVEAN, MutationAssessor, MutationTaster, LRT, GERP++, SiPhy, phyloP, and phastCons. The REVEL score for an individual missense variant can range from 0 to 1, with higher scores reflecting greater likelihood that the variant is disease-causing. Based on the above evidence this variant has been classified as Likely Pathogenic according to the ACMG guidelines.